The following is an entry in ClinVar:

NM_006947.4(SRP72):c.1442T>C (p.Ile481Thr)

Gene: SRP72 (signal recognition particle 72; plus strand). Cytogenetic location: 4q12.
Variant type: single nucleotide variant.
Coding change: c.1442T>C on transcript NM_006947.4 (MANE Select); coding-DNA position 1442, T replaced by C.
Protein change: p.Ile481Thr; replaces isoleucine 481 with threonine.
Molecular consequence: missense variant. On other transcripts: non-coding transcript variant (1).
Genome position (GRCh38, 1-based): chr4:56,490,585, T>C. VCF-style: chr4-56490585-T-C. GRCh37 (hg19) VCF-style: chr4-57356751-T-C.
Other names: c.1442T>C (NM_006947.3); c.1259T>C, p.Ile420Thr (NM_001267722.2); short protein forms I420T, I481T.
Identifiers: ClinVar variation 3590633 (VCV003590633.4).

ClinVar aggregate classification (germline): Uncertain significance. Review status: criteria provided, multiple submitters, no conflicts (2 of 4 stars). 3 submissions from 3 submitters: Uncertain significance (3). Last evaluated 2024-12-20.

Conditions:
Autosomal dominant aplasia and myelodysplasia. Also called: Bone marrow failure syndrome 1. Identifiers: Orphanet 314399, MedGen C3808553, MONDO:0013851, OMIM 614675.

Submissions (3):

Ambry Genetics
Classification: Uncertain significance. Last evaluated: 2024-12-20. Review status: criteria provided, single submitter. Criteria: Ambry Variant Classification Scheme 2023. Collection method: clinical testing. Allele origin: germline.
Comment: The p.I481T variant (also known as c.1442T>C), located in coding exon 15 of the SRP72 gene, results from a T to C substitution at nucleotide position 1442. The isoleucine at codon 481 is replaced by threonine, an amino acid with similar properties. This amino acid position is conserved. In addition, this alteration is predicted to be tolerated by in silico analysis. Based on the available evidence, the clinical significance of this variant remains unclear.

Labcorp Genetics (formerly Invitae), Labcorp
Classification: Uncertain significance. Last evaluated: 2024-08-17. Review status: criteria provided, single submitter. Criteria: Invitae Variant Classification Sherloc (09022015). Collection method: clinical testing. Allele origin: germline.
Comment: This sequence change replaces isoleucine, which is neutral and non-polar, with threonine, which is neutral and polar, at codon 481 of the SRP72 protein (p.Ile481Thr). This variant is present in population databases (rs748937818, gnomAD 0.003%). This variant has not been reported in the literature in individuals affected with SRP72-related conditions. Invitae Evidence Modeling of protein sequence and biophysical properties (such as structural, functional, and spatial information, amino acid conservation, physicochemical variation, residue mobility, and thermodynamic stability) indicates that this missense variant is not expected to disrupt SRP72 protein function with a negative predictive value of 80%. In summary, the available evidence is currently insufficient to determine the role of this variant in disease. Therefore, it has been classified as a Variant of Uncertain Significance.

Fulgent Genetics
Classification: Uncertain significance for Autosomal dominant aplasia and myelodysplasia. Last evaluated: 2024-04-01. Review status: criteria provided, single submitter. Criteria: ACMG Guidelines, 2015. Collection method: clinical testing. Allele origin: germline.